The following is an entry in ClinVar:

NM_001348323.3(TRIP12):c.4002A>T (p.Lys1334Asn)

Gene: TRIP12 (thyroid hormone receptor interactor 12; minus strand). Cytogenetic location: 2q36.3.
Variant type: single nucleotide variant.
Coding change: c.4002A>T on transcript NM_001348323.3 (MANE Select); coding-DNA position 4002, A replaced by T.
Protein change: p.Lys1334Asn; replaces lysine 1334 with asparagine.
Molecular consequence: missense variant.
Genome position (GRCh38, 1-based): chr2:229,793,112, T>A on the plus strand (A>T on the coding strand, the complement: TRIP12 is on the minus strand). VCF-style: chr2-229793112-T-A. GRCh37 (hg19) VCF-style: chr2-230657828-T-A.
Other names: c.3921A>T, p.Lys1307Asn (NM_001284214.2, NM_001348315.2); c.3876A>T, p.Lys1292Asn (NM_001284215.2, NM_001348316.2); c.2967A>T, p.Lys989Asn (NM_001284216.2); c.3861A>T, p.Lys1287Asn (NM_001348317.1, NM_001348318.2); c.3987A>T, p.Lys1329Asn (NM_001348319.1, NM_001348320.2); c.3990A>T, p.Lys1330Asn (NM_001348321.1); c.4002A>T, p.Lys1334Asn (NM_001348322.1, NM_001348324.2, NM_001348325.2 and 2 more transcripts); c.4005A>T, p.Lys1335Asn (NM_001348328.1, NM_001348329.2, NM_001348330.2); and 4 more; short protein forms K1259N, K1260N, K1287N, K1292N, K1300N, K1307N, K1308N, K1329N.
Identifiers: ClinVar variation 1690921 (VCV001690921.2), dbSNP rs2154260898, ClinGen allele CA350902483.

ClinVar aggregate classification (germline): Uncertain significance (1 of 4 stars; one submission).

Submission:

Laboratorio de Genetica e Diagnostico Molecular, Hospital Israelita Albert Einstein
Classification: Uncertain significance. Last evaluated: 2020-07-19. Review status: criteria provided, single submitter. Criteria: ACMG Guidelines, 2015. Collection method: clinical testing. Allele origin: germline. Affected: yes.
Comment: ACMG classification criteria: PM2